The following is an entry in ClinVar:

NM_001197104.2(KMT2A):c.10843G>A (p.Ala3615Thr)

Gene: KMT2A (lysine methyltransferase 2A; plus strand). Cytogenetic location: 11q23.3.
Variant type: single nucleotide variant.
Coding change: c.10843G>A on transcript NM_001197104.2 (MANE Select); coding-DNA position 10843, G replaced by A.
Protein change: p.Ala3615Thr; replaces alanine 3615 with threonine.
Molecular consequence: missense variant.
Genome position (GRCh38, 1-based): chr11:118,509,143, G>A. VCF-style: chr11-118509143-G-A. GRCh37 (hg19) VCF-style: chr11-118379858-G-A.
Other names: c.10933G>A, p.Ala3645Thr (NM_001412597.1); c.10834G>A, p.Ala3612Thr (NM_005933.4); short protein forms A3615T, A3612T, A3645T.
Identifiers: ClinVar variation 2894948 (VCV002894948.3), dbSNP rs1950639975, ClinGen allele CA382829418.

ClinVar aggregate classification (germline): Uncertain significance (1 of 4 stars; one submission).

Allele frequency attached by ClinVar (database versions not stated): gnomAD 0.00001; TOPMed 0.00001.
gnomAD v4.1: 4 of 1,613,414 alleles (0.00025%); highest among the groups gnomAD compares: Non-Finnish European, 0.00025%; no homozygotes.

Submission:

Labcorp Genetics (formerly Invitae), Labcorp
Classification: Uncertain significance. Last evaluated: 2023-11-29. Review status: criteria provided, single submitter. Criteria: Invitae Variant Classification Sherloc (09022015). Collection method: clinical testing. Allele origin: germline.
Comment: This sequence change replaces alanine, which is neutral and non-polar, with threonine, which is neutral and polar, at codon 3615 of the KMT2A protein (p.Ala3615Thr). This variant is not present in population databases (gnomAD no frequency). This variant has not been reported in the literature in individuals affected with KMT2A-related conditions. Advanced modeling of protein sequence and biophysical properties (such as structural, functional, and spatial information, amino acid conservation, physicochemical variation, residue mobility, and thermodynamic stability) performed at Invitae indicates that this missense variant is not expected to disrupt KMT2A protein function with a negative predictive value of 95%. In summary, the available evidence is currently insufficient to determine the role of this variant in disease. Therefore, it has been classified as a Variant of Uncertain Significance.